The following is an entry in ClinVar:

ClinVar aggregate classification (germline): Conflicting classifications of pathogenicity. Review status: criteria provided, conflicting classifications (1 of 4 stars). 2 submissions from 1 submitter: Uncertain significance (1); Benign (1). Last evaluated 2018-01-12.

Conditions:
3-Methylglutaconic aciduria type 3 (MGCA3). Also called: OPA3, AUTOSOMAL RECESSIVE; OPA3-Related 3-Methylglutaconic Aciduria; Costeff Syndrome; OPTIC ATROPHY 3, AUTOSOMAL RECESSIVE. Identifiers: Orphanet 67047, MedGen C0574084, MONDO:0009787, OMIM 258501.
Optic atrophy 3 (OPA3). Also called: OPTIC ATROPHY 3, AUTOSOMAL DOMINANT; Optic atrophy, cataract, and neurologic disorder; Optic atrophy 3 with cataract. Identifiers: Orphanet 67036, MedGen C1833809, MONDO:0008133, OMIM 165300.

Allele frequency attached by ClinVar (database versions not stated): gnomAD 0.00017; TOPMed 0.00017; 1000 Genomes Project 0.00060; 1000 Genomes Project 30x 0.00109.

Submissions (2):

Illumina Laboratory Services, Illumina
Classification: Benign for Optic atrophy 3. Last evaluated: 2018-01-12. Review status: criteria provided, single submitter. Criteria: ICSL Variant Classification Criteria 13 December 2019. Collection method: clinical testing. Allele origin: germline.
Comment: This variant was observed in the ICSL laboratory as part of a predisposition screen in an ostensibly healthy population. It had not been previously curated by ICSL or reported in the Human Gene Mutation Database (HGMD: prior to June 1st, 2018), and was therefore a candidate for classification through an automated scoring system. Utilizing variant allele frequency, disease prevalence and penetrance estimates, and inheritance mode, an automated score was calculated to assess if this variant is too frequent to cause the disease. Based on the score and internal cut-off values, a variant classified as benign is not then subjected to further curation. The score for this variant resulted in a classification of benign for this disease.

Illumina Laboratory Services, Illumina
Classification: Uncertain significance for 3-Methylglutaconic aciduria type 3. Last evaluated: 2018-01-12. Review status: criteria provided, single submitter. Criteria: ICSL Variant Classification Criteria 13 December 2019. Collection method: clinical testing. Allele origin: germline.

NM_025136.4(OPA3):c.*5923G>A

Genes: OPA3 (outer mitochondrial membrane lipid metabolism regulator OPA3; minus strand), OPA3-RTN2 (OPA3-RTN2 readthrough; minus strand). Cytogenetic location: 19q13.32.
Variant type: single nucleotide variant.
Coding change: c.*5923G>A on transcript NM_025136.4 (MANE Select); 5923 bases downstream of the stop codon, G replaced by A.
Molecular consequence: 3 prime UTR variant. On other transcripts: intron variant (1).
Genome position (GRCh38, 1-based): chr19:45,547,591, C>T on the plus strand (G>A on the coding strand, the complement: OPA3 is on the minus strand). VCF-style: chr19-45547591-C-T. GRCh37 (hg19) VCF-style: chr19-46050849-C-T.
Other names: c.143-18135G>A (NM_001017989.3).
Identifiers: ClinVar variation 894279 (VCV000894279.4), dbSNP rs149788703, ClinGen allele CA308953953.